The following is an entry in ClinVar:

ClinVar aggregate classification (germline): Uncertain significance. Review status: criteria provided, multiple submitters, no conflicts (2 of 4 stars). 4 submissions from 4 submitters: Uncertain significance (4). Last evaluated 2025-09-22.

Conditions:
Hereditary cancer-predisposing syndrome. Also called: Hereditary Cancer Syndrome; Hereditary neoplastic syndrome; Neoplastic Syndromes, Hereditary; Tumor predisposition. Identifiers: Orphanet 140162, MedGen C0027672, MeSH D009386, MONDO:0015356.

Allele frequency attached by ClinVar (database versions not stated): gnomAD exomes below 0.00001.

Submissions (4):

Ambry Genetics
Classification: Uncertain significance for Hereditary cancer-predisposing syndrome. Last evaluated: 2025-09-22. Review status: criteria provided, single submitter. Criteria: Ambry Variant Classification Scheme 2023. Collection method: clinical testing. Allele origin: germline.
Comment: The p.L1841F variant (also known as c.5521C>T), located in coding exon 40 of the POLE gene, results from a C to T substitution at nucleotide position 5521. The leucine at codon 1841 is replaced by phenylalanine, an amino acid with highly similar properties. This amino acid position is conserved. In addition, the in silico prediction for this alteration is inconclusive. Since supporting evidence is limited at this time, the clinical significance of this alteration remains unclear.

Center for Genomic Medicine, Rigshospitalet, Copenhagen University Hospital
Classification: Uncertain significance. Last evaluated: 2025-03-04. Review status: criteria provided, single submitter. Criteria: ACMG Guidelines, 2015. Collection method: clinical testing. Allele origin: germline.

Labcorp Genetics (formerly Invitae), Labcorp
Classification: Uncertain significance. Last evaluated: 2024-09-28. Review status: criteria provided, single submitter. Criteria: Invitae Variant Classification Sherloc (09022015). Collection method: clinical testing. Allele origin: germline.
Comment: This sequence change replaces leucine, which is neutral and non-polar, with phenylalanine, which is neutral and non-polar, at codon 1841 of the POLE protein (p.Leu1841Phe). This variant is not present in population databases (gnomAD no frequency). This variant has not been reported in the literature in individuals affected with POLE-related conditions. ClinVar contains an entry for this variant (Variation ID: 1062470). Invitae Evidence Modeling of protein sequence and biophysical properties (such as structural, functional, and spatial information, amino acid conservation, physicochemical variation, residue mobility, and thermodynamic stability) indicates that this missense variant is expected to disrupt POLE protein function with a positive predictive value of 80%. In summary, the available evidence is currently insufficient to determine the role of this variant in disease. Therefore, it has been classified as a Variant of Uncertain Significance.

GeneDx
Classification: Uncertain significance. Last evaluated: 2020-02-05. Review status: criteria provided, single submitter. Criteria: GeneDx Variant Classification Process June 2021. Collection method: clinical testing. Allele origin: germline. Affected: yes.
Comment: Not observed in large population cohorts (Lek 2016); In silico analysis supports that this missense variant has a deleterious effect on protein structure/function; Has not been previously published as pathogenic or benign to our knowledge

NM_006231.4(POLE):c.5521C>T (p.Leu1841Phe)

Gene: POLE (DNA polymerase epsilon, catalytic subunit; minus strand). Cytogenetic location: 12q24.33.
Variant type: single nucleotide variant.
Coding change: c.5521C>T on transcript NM_006231.4 (MANE Select); coding-DNA position 5521, C replaced by T.
Protein change: p.Leu1841Phe; replaces leucine 1841 with phenylalanine.
Molecular consequence: missense variant.
Genome position (GRCh38, 1-based): chr12:132,639,156, G>A on the plus strand (C>T on the coding strand, the complement: POLE is on the minus strand). VCF-style: chr12-132639156-G-A. GRCh37 (hg19) VCF-style: chr12-133215742-G-A.
Other names: short protein forms L1841F.
Identifiers: ClinVar variation 1062470 (VCV001062470.12), dbSNP rs2138508674, ClinGen allele CA387374597.